The following is an entry in ClinVar:

NM_001852.4(COL9A2):c.1980G>A (p.Leu660=)

Gene: COL9A2 (collagen type IX alpha 2 chain; minus strand). Cytogenetic location: 1p34.2.
Variant type: single nucleotide variant.
Coding change: c.1980G>A on transcript NM_001852.4 (MANE Select); coding-DNA position 1980, G replaced by A.
Protein change: p.Leu660=; no amino-acid change (leucine 660 retained).
Molecular consequence: synonymous variant.
Genome position (GRCh38, 1-based): chr1:40,301,272, C>T on the plus strand (G>A on the coding strand, the complement: COL9A2 is on the minus strand). VCF-style: chr1-40301272-C-T. GRCh37 (hg19) VCF-style: chr1-40766944-C-T.
Identifiers: ClinVar variation 509434 (VCV000509434.5), dbSNP rs765050254, ClinGen allele CA791264.
Genomic context (GRCh38, chr1:40,301,272, plus strand): 5'-AAGGCGGGCAGAGGCATAGGCCGAAGCTCCAAGGCAGGCGGCAGGTTCACAGAAGCCCGG[C>T]AGCCCCACGGGGCCTGGCAGGCCAGGTCGACCTGCCTCTCCTGGAGCCCCTGGGGACCCT-3'
Protein context (NP_001843.1, residues 650-670): GRPGLPGPVG[Leu660=]PGFCEPAACL

ClinVar aggregate classification (germline): Likely benign. Review status: criteria provided, multiple submitters, no conflicts (2 of 4 stars). 2 submissions from 2 submitters: Likely benign (2). Last evaluated 2022-08-22.

Allele frequency attached by ClinVar (database versions not stated): ExAC 0.00001; gnomAD 0.00001; gnomAD exomes 0.00001; TOPMed 0.00001.
gnomAD v4.1: 13 of 1,613,910 alleles (0.00081%); highest among the groups gnomAD compares: Admixed American, 0.0033%; no homozygotes.

Submissions (2):

Labcorp Genetics (formerly Invitae), Labcorp
Classification: Likely benign. Last evaluated: 2022-08-22. Review status: criteria provided, single submitter. Criteria: Invitae Variant Classification Sherloc (09022015). Collection method: clinical testing. Allele origin: germline.

GeneDx
Classification: Likely benign. Last evaluated: 2017-05-05. Review status: criteria provided, single submitter. Criteria: GeneDx Variant Classification (06012015). Collection method: clinical testing. Allele origin: germline. Affected: yes.
Comment: This variant is considered likely benign or benign based on one or more of the following criteria: it is a conservative change, it occurs at a poorly conserved position in the protein, it is predicted to be benign by multiple in silico algorithms, and/or has population frequency not consistent with disease.